The following is an entry in ClinVar:

NM_001376.5(DYNC1H1):c.1761G>A (p.Arg587=)

Gene: DYNC1H1 (dynein cytoplasmic 1 heavy chain 1; plus strand). Cytogenetic location: 14q32.31.
Variant type: single nucleotide variant.
Coding change: c.1761G>A on transcript NM_001376.5 (MANE Select); coding-DNA position 1761, G replaced by A.
Protein change: p.Arg587=; no amino-acid change (arginine 587 retained).
Molecular consequence: synonymous variant.
Genome position (GRCh38, 1-based): chr14:101,985,986, G>A. VCF-style: chr14-101985986-G-A. GRCh37 (hg19) VCF-style: chr14-102452323-G-A.
Identifiers: ClinVar variation 3036448 (VCV003036448.4), dbSNP rs1270316691, ClinGen allele CA488183199.

ClinVar aggregate classification (germline): Likely benign. Review status: criteria provided, single submitter (1 of 4 stars). 2 submissions from 2 submitters: Likely benign (1). 1 of the submissions does not count toward it. Last evaluated 2024-10-17.

Conditions:
DYNC1H1-related disorder. Also called: DYNC1H1-related disorders; DYNC1H1-related condition. Identifiers: MedGen CN381529.
Charcot-Marie-Tooth disease axonal type 2O. Also called: Charcot-Marie-Tooth disease, axonal, type 20; CHARCOT-MARIE-TOOTH NEUROPATHY, AXONAL, TYPE 2O; CHARCOT-MARIE-TOOTH DISEASE, AXONAL, AUTOSOMAL DOMINANT, TYPE 2O; Charcot-Marie-Tooth Neuropathy Type 2O. Identifiers: Orphanet 284232, MedGen C3280220, MONDO:0013644, OMIM 614228.

Allele frequency attached by ClinVar (database versions not stated): gnomAD exomes below 0.00001; gnomAD 0.00001.
gnomAD v4.1: 5 of 1,614,072 alleles (0.00031%); highest among the groups gnomAD compares: East Asian, 0.011%; no homozygotes.

Submissions (2):

Labcorp Genetics (formerly Invitae), Labcorp
Classification: Likely benign for Charcot-Marie-Tooth disease axonal type 2O. Last evaluated: 2024-10-17. Review status: criteria provided, single submitter. Criteria: Invitae Variant Classification Sherloc (09022015). Collection method: clinical testing. Allele origin: germline.

PreventionGenetics, part of Exact Sciences
Classification: Likely benign for DYNC1H1-related condition. Last evaluated: 2020-07-17. Review status: no assertion criteria provided. Collection method: clinical testing. Allele origin: germline. Not counted in ClinVar's aggregate classification.
Comment: This variant is classified as likely benign based on ACMG/AMP sequence variant interpretation guidelines (Richards et al. 2015 PMID: 25741868, with internal and published modifications).